The following is an entry in ClinVar:

ClinVar aggregate classification (germline): Benign/Likely benign. Review status: criteria provided, multiple submitters, no conflicts (2 of 4 stars). 5 submissions from 5 submitters: Benign (2); Likely benign (3). Last evaluated 2025-11-25.

Conditions:
Tuberous sclerosis syndrome (TSC). Also called: Tuberous sclerosis; Tuberous Sclerosis Complex. Identifiers: Orphanet 805, MedGen C0041341, MONDO:0001734.
Tuberous sclerosis 2 (TSC2). Identifiers: Orphanet 805, MedGen C1860707, MONDO:0013199, OMIM 613254.
Hereditary cancer-predisposing syndrome. Also called: Tumor predisposition; Hereditary Cancer Syndrome; Neoplastic Syndromes, Hereditary; Hereditary neoplastic syndrome. Identifiers: Orphanet 140162, MedGen C0027672, MeSH D009386, MONDO:0015356.

Allele frequency attached by ClinVar (database versions not stated): TOPMed below 0.00001; ExAC 0.00001; gnomAD exomes 0.00001.
gnomAD v4.1: 4 of 1,612,958 alleles (0.00025%); highest among the groups gnomAD compares: Admixed American, 0.005%; no homozygotes.

Submissions (5):

Labcorp Genetics (formerly Invitae), Labcorp
Classification: Likely benign for Tuberous sclerosis 2. Last evaluated: 2025-11-25. Review status: criteria provided, single submitter. Criteria: Invitae Variant Classification Sherloc (09022015). Collection method: clinical testing. Allele origin: germline.

Myriad Genetics, Inc.
Classification: Benign for Tuberous sclerosis 2. Last evaluated: 2025-05-30. Review status: criteria provided, single submitter. Criteria: Myriad Autosomal Dominant, Autosomal Recessive and X-Linked Classification Criteria (2023). Collection method: clinical testing. Allele origin: unknown.
Comment: This variant is considered benign. This variant is a silent/synonymous amino acid change and it is not expected to impact splicing.

All of Us Research Program, National Institutes of Health
Classification: Likely benign for Tuberous sclerosis syndrome. Last evaluated: 2024-03-05. Review status: criteria provided, single submitter. Criteria: ACMG Guidelines, 2015. Collection method: clinical testing. Allele origin: germline. Inheritance: Autosomal dominant inheritance. Observed: 2 variant alleles, 2 heterozygotes.
Comment: This study involves interpretation of variants in research participants for the purpose of population health screening. Participant phenotype was not available at the time of variant classification. Additional details can be found in publication PMID: 35346344, PMCID: PMC8962531

Genome-Nilou Lab
Classification: Benign for Tuberous sclerosis 2. Last evaluated: 2021-11-07. Review status: criteria provided, single submitter. Criteria: ACMG Guidelines, 2015. Collection method: clinical testing. Allele origin: germline. Affected: no.

Ambry Genetics
Classification: Likely benign for Hereditary cancer-predisposing syndrome. Last evaluated: 2018-04-19. Review status: criteria provided, single submitter. Criteria: Ambry Variant Classification Scheme 2023. Collection method: clinical testing. Allele origin: germline.

NM_000548.5(TSC2):c.3717G>A (p.Glu1239=)

Gene: TSC2 (TSC complex subunit 2; plus strand). Cytogenetic location: 16p13.3.
Variant type: single nucleotide variant.
Coding change: c.3717G>A on transcript NM_000548.5 (MANE Select); coding-DNA position 3717, G replaced by A.
Protein change: p.Glu1239=; no amino-acid change (glutamic acid 1239 retained).
Molecular consequence: synonymous variant.
Genome position (GRCh38, 1-based): chr16:2,081,701, G>A. VCF-style: chr16-2081701-G-A. GRCh37 (hg19) VCF-style: chr16-2131702-G-A.
Other names: c.3585G>A, p.Glu1195= (NM_001077183.3, NM_001370404.1); c.3717G>A, p.Glu1239= (NM_001114382.3); c.3477G>A, p.Glu1159= (NM_001318827.2); c.3441G>A, p.Glu1147= (NM_001318829.2); c.2985G>A, p.Glu995= (NM_001318831.2); c.3618G>A, p.Glu1206= (NM_001318832.2); c.3588G>A, p.Glu1196= (NM_001363528.2, NM_001370405.1, NM_021055.3).
Identifiers: ClinVar variation 752091 (VCV000752091.19), dbSNP rs765060368, ClinGen allele CA048151.
Genomic context (GRCh38, chr16:2,081,701, plus strand): 5'-CTCCTCGGACATCAACAACATGCCCCTGCAGGAGCTGTCTAACGCCCTCATGGCGGCTGA[G>A]CGCTTCAAGGAGCACCGGGACACAGCCCTGTACAAGTCACTGTCGGTGCCGGCAGCCAGC-3'
Protein context (NP_000539.2, residues 1229-1249): QELSNALMAA[Glu1239=]RFKEHRDTAL